The following is an entry in ClinVar:

NM_005159.5(ACTC1):c.-22-212A>T

Genes: ACTC1 (actin alpha cardiac muscle 1; minus strand), GJD2-DT (GJD2 divergent transcript; plus strand). Cytogenetic location: 15q14.
Variant type: single nucleotide variant.
Coding change: c.-22-212A>T on transcript NM_005159.5 (MANE Select); 212 bases into the intron before 22 bases upstream of the start codon, A replaced by T.
Molecular consequence: intron variant.
Genome position (GRCh38, 1-based): chr15:34,795,042, T>A on the plus strand (A>T on the coding strand, the complement: ACTC1 is on the minus strand). VCF-style: chr15-34795042-T-A. GRCh37 (hg19) VCF-style: chr15-35087243-T-A.
Identifiers: ClinVar variation 675344 (VCV000675344.1), dbSNP rs115016806, ClinGen allele CA268665237.

ClinVar aggregate classification (germline): Benign (1 of 4 stars; one submission).

Allele frequency attached by ClinVar (database versions not stated): 1000 Genomes Project 0.02596; gnomAD 0.02758 and 0.02956; 1000 Genomes Project 30x 0.02967; TOPMed 0.03159.

Submission:

GeneDx
Classification: Benign. Last evaluated: 2018-06-16. Review status: criteria provided, single submitter. Criteria: GeneDx Variant Classification (06012015). Collection method: clinical testing. Allele origin: germline. Affected: yes.
Comment: This variant is considered likely benign or benign based on one or more of the following criteria: it is a conservative change, it occurs at a poorly conserved position in the protein, it is predicted to be benign by multiple in silico algorithms, and/or has population frequency not consistent with disease.